The following is an entry in ClinVar:

ClinVar aggregate classification (germline): Uncertain significance (1 of 4 stars; one submission).

Allele frequency attached by ClinVar (database versions not stated): gnomAD 0.00003; ESP Exome Variant Server 0.00008.

Submission:

Labcorp Genetics (formerly Invitae), Labcorp
Classification: Uncertain significance. Last evaluated: 2023-11-14. Review status: criteria provided, single submitter. Criteria: Invitae Variant Classification Sherloc (09022015). Collection method: clinical testing. Allele origin: germline.
Comment: This sequence change replaces aspartic acid, which is acidic and polar, with glutamic acid, which is acidic and polar, at codon 365 of the POLR1A protein (p.Asp365Glu). This variant is not present in population databases (gnomAD no frequency). This variant has not been reported in the literature in individuals affected with POLR1A-related conditions. ClinVar contains an entry for this variant (Variation ID: 1928347). Advanced modeling of protein sequence and biophysical properties (such as structural, functional, and spatial information, amino acid conservation, physicochemical variation, residue mobility, and thermodynamic stability) performed at Invitae indicates that this missense variant is not expected to disrupt POLR1A protein function with a negative predictive value of 80%. In summary, the available evidence is currently insufficient to determine the role of this variant in disease. Therefore, it has been classified as a Variant of Uncertain Significance.

NM_015425.6(POLR1A):c.1095C>G (p.Asp365Glu)

Gene: POLR1A (RNA polymerase I subunit A; minus strand). Cytogenetic location: 2p11.2.
Variant type: single nucleotide variant.
Coding change: c.1095C>G on transcript NM_015425.6 (MANE Select); coding-DNA position 1095, C replaced by G.
Protein change: p.Asp365Glu; replaces aspartic acid 365 with glutamic acid.
Molecular consequence: missense variant.
Genome position (GRCh38, 1-based): chr2:86,078,276, G>C on the plus strand (C>G on the coding strand, the complement: POLR1A is on the minus strand). VCF-style: chr2-86078276-G-C. GRCh37 (hg19) VCF-style: chr2-86305399-G-C.
Other names: short protein forms D365E.
Identifiers: ClinVar variation 1928347 (VCV001928347.5), dbSNP rs374191012, ClinGen allele CA51359782.
Genomic context (GRCh38, chr2:86,078,276, plus strand): 5'-GTCTATGAGGGACTGGCCTGGAAGTGTACTCAAAAAGGATCGGTCAATAGCAATCAAAGA[G>C]TCTTTTTCCTGGAAGATGAAACCAAGAAAACAGGGATGATGGAAAAAAGCTCCAAAAGGC-3'
Protein context (NP_056240.2, residues 355-375): VATPTTDEEK[Asp365Glu]SLIAIDRSFL